The following is an entry in ClinVar:

ClinVar aggregate classification (germline): Uncertain significance (1 of 4 stars; one submission).

gnomAD v4.1: 3 of 1,613,376 alleles (0.00019%); highest among the groups gnomAD compares: Admixed American, 0.005%; no homozygotes.

Submission:

Labcorp Genetics (formerly Invitae), Labcorp
Classification: Uncertain significance. Last evaluated: 2022-07-06. Review status: criteria provided, single submitter. Criteria: Invitae Variant Classification Sherloc (09022015). Collection method: clinical testing. Allele origin: germline.
Comment: This variant has not been reported in the literature in individuals affected with DHX38-related conditions. In summary, the available evidence is currently insufficient to determine the role of this variant in disease. Therefore, it has been classified as a Variant of Uncertain Significance. Algorithms developed to predict the effect of missense changes on protein structure and function (SIFT, PolyPhen-2, Align-GVGD) all suggest that this variant is likely to be tolerated. This variant is present in population databases (no rsID available, gnomAD 0.009%). This sequence change replaces threonine, which is neutral and polar, with isoleucine, which is neutral and non-polar, at codon 881 of the DHX38 protein (p.Thr881Ile).

NM_014003.4(DHX38):c.2642C>T (p.Thr881Ile)

Gene: DHX38 (DEAH-box helicase 38; plus strand). Cytogenetic location: 16q22.2.
Variant type: single nucleotide variant.
Coding change: c.2642C>T on transcript NM_014003.4 (MANE Select); coding-DNA position 2642, C replaced by T.
Protein change: p.Thr881Ile; replaces threonine 881 with isoleucine.
Molecular consequence: missense variant.
Genome position (GRCh38, 1-based): chr16:72,107,381, C>T. VCF-style: chr16-72107381-C-T. GRCh37 (hg19) VCF-style: chr16-72141280-C-T.
Other names: short protein forms T881I.
Identifiers: ClinVar variation 1924286 (VCV001924286.5), dbSNP rs756673285, ClinGen allele CA396713769.